The following is an entry in ClinVar:

NM_032888.4(COL27A1):c.1208C>T (p.Thr403Ile)

Gene: COL27A1 (collagen type XXVII alpha 1 chain; plus strand). Cytogenetic location: 9q32.
Variant type: single nucleotide variant.
Coding change: c.1208C>T on transcript NM_032888.4 (MANE Select); coding-DNA position 1208, C replaced by T.
Protein change: p.Thr403Ile; replaces threonine 403 with isoleucine.
Molecular consequence: missense variant.
Genome position (GRCh38, 1-based): chr9:114,168,763, C>T. VCF-style: chr9-114168763-C-T. GRCh37 (hg19) VCF-style: chr9-116931043-C-T.
Other names: c.1208C>T (NM_032888.2); short protein forms T403I.
Identifiers: ClinVar variation 1515104 (VCV001515104.6), dbSNP rs367573546, ClinGen allele CA198608392.

ClinVar aggregate classification (germline): Uncertain significance. Review status: criteria provided, multiple submitters, no conflicts (2 of 4 stars). 2 submissions from 2 submitters: Uncertain significance (2). Last evaluated 2024-08-26.

Conditions:
Inborn genetic diseases. Identifiers: MedGen C0950123, MeSH D030342.

Allele frequency attached by ClinVar (database versions not stated): TOPMed 0.00002.
gnomAD v4.1: 4 of 1,614,036 alleles (0.00025%); highest among the groups gnomAD compares: East Asian, 0.0045%; no homozygotes.

Submissions (2):

Ambry Genetics
Classification: Uncertain significance for Inborn genetic diseases. Last evaluated: 2024-08-26. Review status: criteria provided, single submitter. Criteria: Ambry Variant Classification Scheme 2023. Collection method: clinical testing. Allele origin: germline.

Labcorp Genetics (formerly Invitae), Labcorp
Classification: Uncertain significance. Last evaluated: 2022-09-01. Review status: criteria provided, single submitter. Criteria: Invitae Variant Classification Sherloc (09022015). Collection method: clinical testing. Allele origin: germline.
Comment: This sequence change replaces threonine, which is neutral and polar, with isoleucine, which is neutral and non-polar, at codon 403 of the COL27A1 protein (p.Thr403Ile). This variant is present in population databases (no rsID available, gnomAD 0.007%). This variant has not been reported in the literature in individuals affected with COL27A1-related conditions. ClinVar contains an entry for this variant (Variation ID: 1515104). Advanced modeling of protein sequence and biophysical properties (such as structural, functional, and spatial information, amino acid conservation, physicochemical variation, residue mobility, and thermodynamic stability) performed at Invitae indicates that this missense variant is not expected to disrupt COL27A1 protein function. In summary, the available evidence is currently insufficient to determine the role of this variant in disease. Therefore, it has been classified as a Variant of Uncertain Significance.